The following is an entry in ClinVar:

NM_000548.5(TSC2):c.3588G>A (p.Glu1196=)

Gene: TSC2 (TSC complex subunit 2; plus strand). Cytogenetic location: 16p13.3.
Variant type: single nucleotide variant.
Coding change: c.3588G>A on transcript NM_000548.5 (MANE Select); coding-DNA position 3588, G replaced by A.
Protein change: p.Glu1196=; no amino-acid change (glutamic acid 1196 retained).
Molecular consequence: synonymous variant. On other transcripts: non-coding transcript variant (5).
Genome position (GRCh38, 1-based): chr16:2,080,355, G>A. VCF-style: chr16-2080355-G-A. GRCh37 (hg19) VCF-style: chr16-2130356-G-A.
Other names: c.3456G>A, p.Glu1152= (NM_001077183.3, NM_001370404.1, NM_001406665.1); c.3588G>A, p.Glu1196= (NM_001114382.3); c.3348G>A, p.Glu1116= (NM_001318827.2); c.3312G>A, p.Glu1104= (NM_001318829.2); c.2856G>A, p.Glu952= (NM_001318831.2, NM_001406687.1, NM_001406688.1); c.3489G>A, p.Glu1163= (NM_001318832.2); c.3459G>A, p.Glu1153= (NM_001363528.2, NM_001370405.1, NM_021055.3); c.3585G>A, p.Glu1195= (NM_001406663.1, NM_001406664.1); and 18 more.
Identifiers: ClinVar variation 4071346 (VCV004071346.1).

ClinVar aggregate classification (germline): Benign (1 of 4 stars; one submission).

Conditions:
Tuberous sclerosis 2 (TSC2). Identifiers: Orphanet 805, MedGen C1860707, MONDO:0013199, OMIM 613254.

gnomAD v4.1: 2 of 1,612,132 alleles (0.00012%); highest among the groups gnomAD compares: South Asian, 0.0022%; no homozygotes.

Submission:

Myriad Genetics, Inc.
Classification: Benign for Tuberous sclerosis 2. Last evaluated: 2025-05-29. Review status: criteria provided, single submitter. Criteria: Myriad Autosomal Dominant, Autosomal Recessive and X-Linked Classification Criteria (2023). Collection method: clinical testing. Allele origin: unknown.
Comment: This variant is considered benign. This variant is a silent/synonymous amino acid change and it is not expected to impact splicing.